The following is an entry in ClinVar:

ClinVar aggregate classification (germline): Benign. Review status: criteria provided, multiple submitters, no conflicts (2 of 4 stars). 3 submissions from 3 submitters: Benign (2). 1 of the submissions does not count toward it. Last evaluated 2025-12-30.

Conditions:
TCF20-related disorder. Also called: TCF20-related condition.

Allele frequency attached by ClinVar (database versions not stated): gnomAD 0.00003 and 0.00080; ESP Exome Variant Server 0.00008; TOPMed 0.00015; gnomAD exomes 0.00130 and 0.00253; ExAC 0.00297; 1000 Genomes Project 30x 0.00406; 1000 Genomes Project 0.00439.
gnomAD v4.1: 2,020 of 1,614,222 alleles (0.13%); highest among the groups gnomAD compares: South Asian, 2.1%; 51 homozygotes.

Submissions (3):

Labcorp Genetics (formerly Invitae), Labcorp
Classification: Benign. Last evaluated: 2025-12-30. Review status: criteria provided, single submitter. Criteria: Invitae Variant Classification Sherloc (09022015). Collection method: clinical testing. Allele origin: germline.

Breakthrough Genomics
Classification: Benign. Review status: criteria provided, single submitter. Criteria: ACMG Guidelines, 2015. Collection method: not provided. Allele origin: germline. Inheritance: Autosomal dominant inheritance. Affected: yes.

PreventionGenetics, part of Exact Sciences
Classification: Benign for TCF20-related condition. Last evaluated: 2020-01-28. Review status: no assertion criteria provided. Collection method: clinical testing. Allele origin: germline. Not counted in ClinVar's aggregate classification.
Comment: This variant is classified as benign based on ACMG/AMP sequence variant interpretation guidelines (Richards et al. 2015 PMID: 25741868, with internal and published modifications).

NM_001378418.1(TCF20):c.4815G>A (p.Val1605=)

Gene: TCF20 (transcription factor 20; minus strand). Cytogenetic location: 22q13.2.
Variant type: single nucleotide variant.
Coding change: c.4815G>A on transcript NM_001378418.1 (MANE Select); coding-DNA position 4815, G replaced by A.
Protein change: p.Val1605=; no amino-acid change (valine 1605 retained).
Molecular consequence: synonymous variant.
Genome position (GRCh38, 1-based): chr22:42,210,491, C>T on the plus strand (G>A on the coding strand, the complement: TCF20 is on the minus strand). VCF-style: chr22-42210491-C-T. GRCh37 (hg19) VCF-style: chr22-42606497-C-T.
Other names: c.4815G>A, p.Val1605= (NM_005650.4, NM_181492.3); c.4815G>A (NM_005650.3).
Identifiers: ClinVar variation 1598934 (VCV001598934.11), dbSNP rs201624158, ClinGen allele CA10266575.
Genomic context (GRCh38, chr22:42,210,491, plus strand): 5'-ATCAGTTTTATCCAGTGGCTGGGTGGCATATTTTAGTTTGATCTCAGGTTCTTGGGGTTC[C>T]ACAATGGGAACTGCTTGTTTGGTTTTTCGCTTCCTCGGCTGGGCCCCAGGCTTCCTTCTC-3'
Protein context (NP_001365347.1, residues 1595-1615): KRKTKQAVPI[Val1605=]EPQEPEIKLK